The following is an entry in ClinVar:

NM_000053.4(ATP7B):c.4326C>T (p.Ser1442=)

Gene: ATP7B (ATPase copper transporting beta; minus strand). Cytogenetic location: 13q14.3.
Variant type: single nucleotide variant.
Coding change: c.4326C>T on transcript NM_000053.4 (MANE Select); coding-DNA position 4326, C replaced by T.
Protein change: p.Ser1442=; no amino-acid change (serine 1442 retained).
Molecular consequence: synonymous variant.
Genome position (GRCh38, 1-based): chr13:51,934,828, G>A on the plus strand (C>T on the coding strand, the complement: ATP7B is on the minus strand). VCF-style: chr13-51934828-G-A. GRCh37 (hg19) VCF-style: chr13-52508964-G-A.
Other names: c.3705C>T, p.Ser1235= (NM_001005918.3); c.3993C>T, p.Ser1331= (NM_001243182.2); c.4092C>T, p.Ser1364= (NM_001330578.2); c.4074C>T, p.Ser1358= (NM_001330579.2).
Identifiers: ClinVar variation 1086441 (VCV001086441.18), dbSNP rs1566428703, ClinGen allele CA484024091.

ClinVar aggregate classification (germline): Likely benign. Review status: criteria provided, multiple submitters, no conflicts (2 of 4 stars). 4 submissions from 4 submitters: Likely benign (4). Last evaluated 2025-03-01.

Conditions:
Wilson disease (WND). Also called: Wilson's disease. Identifiers: Orphanet 905, MedGen C0019202, MONDO:0010200, OMIM 277900. Disease mechanism: loss of function.

Allele frequency attached by ClinVar (database versions not stated): TOPMed below 0.00001; gnomAD 0.00001; gnomAD exomes 0.00001.
gnomAD v4.1: 13 of 1,614,058 alleles (0.00081%); highest among the groups gnomAD compares: East Asian, 0.0067%; no homozygotes.

Submissions (4):

CeGaT Center for Human Genetics Tuebingen
Classification: Likely benign. Last evaluated: 2025-03-01. Review status: criteria provided, single submitter. Criteria: CeGaT Center For Human Genetics Tuebingen Variant Classification Criteria Version 2. Collection method: clinical testing. Allele origin: germline. Affected: yes. Observed: 1 variant allele.
Comment: ATP7B: BP4, BP7

All of Us Research Program, National Institutes of Health
Classification: Likely benign for Wilson disease. Last evaluated: 2024-03-24. Review status: criteria provided, single submitter. Criteria: ACMG Guidelines, 2015. Collection method: clinical testing. Allele origin: germline. Inheritance: Autosomal recessive inheritance. Observed: 3 variant alleles, 3 heterozygotes.
Comment: This study involves interpretation of variants in research participants for the purpose of population health screening. Participant phenotype was not available at the time of variant classification. Additional details can be found in publication PMID: 35346344, PMCID: PMC8962531

Labcorp Genetics (formerly Invitae), Labcorp
Classification: Likely benign for Wilson disease. Last evaluated: 2024-02-18. Review status: criteria provided, single submitter. Criteria: Invitae Variant Classification Sherloc (09022015). Collection method: clinical testing. Allele origin: germline.

Color Diagnostics, LLC DBA Color Health
Classification: Likely benign for Wilson disease. Last evaluated: 2022-06-24. Review status: criteria provided, single submitter. Criteria: ACMG Guidelines, 2015. Collection method: clinical testing. Allele origin: germline.